The following is an entry in ClinVar:

NM_000078.3(CETP):c.750+77G>A

Gene: CETP (cholesteryl ester transfer protein; plus strand). Cytogenetic location: 16q13.
Variant type: single nucleotide variant.
Coding change: c.750+77G>A on transcript NM_000078.3 (MANE Select); 77 bases into the intron after coding-DNA position 750, G replaced by A.
Molecular consequence: intron variant.
Genome position (GRCh38, 1-based): chr16:56,972,160, G>A. VCF-style: chr16-56972160-G-A. GRCh37 (hg19) VCF-style: chr16-57006072-G-A.
Other names: c.750+77G>A (NM_001286085.2).
Identifiers: ClinVar variation 1200716 (VCV001200716.4), dbSNP rs12720873, ClinGen allele CA14352474.

ClinVar aggregate classification (germline): Likely benign. Review status: criteria provided, multiple submitters, no conflicts (2 of 4 stars). 2 submissions from 2 submitters: Likely benign (2). Last evaluated 2025-04-09.

Allele frequency attached by ClinVar (database versions not stated): 1000 Genomes Project 0.00679; 1000 Genomes Project 30x 0.00734; gnomAD 0.01782 and 0.01854.
gnomAD v4.1: 24,451 of 1,097,662 alleles (2.2%); highest among the groups gnomAD compares: Non-Finnish European, 2.8%; 403 homozygotes.

Submissions (2):

Molecular Diagnostic Laboratory for Inherited Cardiovascular Disease, Montreal Heart Institute
Classification: Likely benign. Last evaluated: 2025-04-09. Review status: criteria provided, single submitter. Criteria: ACMG Guidelines, 2015. Collection method: clinical testing. Allele origin: germline. Affected: no.
Comment: BS1;BP6

GeneDx
Classification: Likely benign. Last evaluated: 2019-01-25. Review status: criteria provided, single submitter. Criteria: GeneDx Variant Classification Process June 2021. Collection method: clinical testing. Allele origin: germline. Affected: yes.